The following is an entry in ClinVar:

ClinVar aggregate classification (germline): Conflicting classifications of pathogenicity. Review status: criteria provided, conflicting classifications (1 of 4 stars). 3 submissions from 3 submitters: Uncertain significance (1); Benign (1); Likely benign (1). Last evaluated 2024-11-27.

Submissions (3):

Blueprint Genetics
Classification: Likely benign. Last evaluated: 2024-11-27. Review status: criteria provided, single submitter. Criteria: ACMG Guidelines, 2015. Collection method: clinical testing. Allele origin: germline.

Mayo Clinic Laboratories, Mayo Clinic
Classification: Benign. Last evaluated: 2024-06-13. Review status: criteria provided, single submitter. Criteria: ACMG Guidelines, 2015. Collection method: clinical testing. Allele origin: germline. Observed: 3 variant alleles.
Comment: BS1, BS2, BP4, BP7

Breakthrough Genomics
Classification: Uncertain significance. Review status: criteria provided, single submitter. Criteria: ACMG Guidelines, 2015. Collection method: not provided. Allele origin: germline. Inheritance: Autosomal recessive inheritance. Affected: yes.

NM_182758.4(WDR72):c.3149-30CT[12]

Gene: WDR72 (WD repeat domain 72; minus strand). Cytogenetic location: 15q21.3.
Variant type: Microsatellite.
Coding change: c.3149-30CT[12] on transcript NM_182758.4 (MANE Select); 12 copies in a row of the 2-base unit CT starting at c.3149-30; the reference has 11 copies in a row; one copy, 2 bases duplicated.
Molecular consequence: intron variant.
Genome position (GRCh38, 1-based): chr15:53,523,331-53,523,332, AG duplicated on the plus strand (CT on the coding strand, the reverse complement: WDR72 is on the minus strand); duplicating any 2 consecutive bases within chr15:53,523,331-53,523,353 gives the same sequence; the position shown is the placement nearest the transcript's 3' end. VCF-style (leftmost placement, unchanged base first): chr15-53523330-A-AAG. GRCh37 (hg19) VCF-style: chr15-53815527-A-AAG.
Other names: p.?; c.107-30CT[12] (NM_001277176.2); c.3149-10_3149-9dup (NM_182758.4).
Identifiers: ClinVar variation 316579 (VCV000316579.8), dbSNP rs57737580, ClinGen allele CA7570651.
Genomic context (GRCh38, chr15:53,523,330, plus strand): 5'-TTGGAAGTTTGCCGAGTTTGAGTTGCTGTCATGCTTGACCGGGCTGACTGGAGCTATTAA[A>AAG]AGAGAGAGAGAGAGAGAGAGAGACAGAAGAGAGAGGATGAAAAAGTAGTAGCAAACACCA-3'